The following is an entry in ClinVar:

NM_006662.3(SRCAP):c.2776G>A (p.Ala926Thr)

Gene: SRCAP (Snf2 related CREBBP activator protein; plus strand). Cytogenetic location: 16p11.2.
Variant type: single nucleotide variant.
Coding change: c.2776G>A on transcript NM_006662.3 (MANE Select); coding-DNA position 2776, G replaced by A.
Protein change: p.Ala926Thr; replaces alanine 926 with threonine.
Molecular consequence: missense variant.
Genome position (GRCh38, 1-based): chr16:30,716,438, G>A. VCF-style: chr16-30716438-G-A. GRCh37 (hg19) VCF-style: chr16-30727759-G-A.
Other names: short protein forms A926T.
Identifiers: ClinVar variation 2778577 (VCV002778577.3), dbSNP rs369964961, ClinGen allele CA395611365.
Genomic context (GRCh38, chr16:30,716,438, plus strand): 5'-CTGTTCGACCCTCGACCGGTTACCTCCCCTTTCATCACCCCAGGCATCTGCTTCAGCACC[G>A]CCTCTCTGGTGCTAAGGGCCACGGATGTCCATCCCCTCCAGGTAAGTATGATTCCATTAA-3'
Protein context (NP_006653.2, residues 916-936): FITPGICFST[Ala926Thr]SLVLRATDVH

ClinVar aggregate classification (germline): Uncertain significance (1 of 4 stars; one submission).

Submission:

Labcorp Genetics (formerly Invitae), Labcorp
Classification: Uncertain significance. Last evaluated: 2023-11-27. Review status: criteria provided, single submitter. Criteria: Invitae Variant Classification Sherloc (09022015). Collection method: clinical testing. Allele origin: germline.
Comment: This sequence change replaces alanine, which is neutral and non-polar, with threonine, which is neutral and polar, at codon 926 of the SRCAP protein (p.Ala926Thr). This variant is present in population databases (no rsID available, gnomAD 0.0009%). This variant has not been reported in the literature in individuals affected with SRCAP-related conditions. Advanced modeling of protein sequence and biophysical properties (such as structural, functional, and spatial information, amino acid conservation, physicochemical variation, residue mobility, and thermodynamic stability) performed at Invitae indicates that this missense variant is expected to disrupt SRCAP protein function with a positive predictive value of 80%. In summary, the available evidence is currently insufficient to determine the role of this variant in disease. Therefore, it has been classified as a Variant of Uncertain Significance.